The following is an entry in ClinVar:

NM_001127222.2(CACNA1A):c.6233G>C (p.Ser2078Thr)

Gene: CACNA1A (calcium voltage-gated channel subunit alpha1 A; minus strand). Cytogenetic location: 19p13.13.
Variant type: single nucleotide variant.
Coding change: c.6233G>C on transcript NM_001127222.2 (MANE Select); coding-DNA position 6233, G replaced by C.
Protein change: p.Ser2078Thr; replaces serine 2078 with threonine.
Molecular consequence: missense variant.
Genome position (GRCh38, 1-based): chr19:13,212,173, C>G on the plus strand (G>C on the coding strand, the complement: CACNA1A is on the minus strand). VCF-style: chr19-13212173-C-G. GRCh37 (hg19) VCF-style: chr19-13322987-C-G.
Other names: c.6251G>C, p.Ser2084Thr (NM_000068.4, NM_023035.3); c.6236G>C, p.Ser2079Thr (NM_001127221.2); c.6242G>C, p.Ser2081Thr (NM_001174080.2); short protein forms S2078T, S2079T, S2081T, S2084T.
Identifiers: ClinVar variation 3754144 (VCV003754144.2).
Genomic context (GRCh38, chr19:13,212,173, plus strand): 5'-GCAGGGAGGCGGGGCATGGAGGCAGCCCGGCCCTGGCCTTCCATGGGGAGGTAGTGCTCG[C>G]TGTCGGAGTAGCCATCTCTGCCCATCTCTCGCATCTCCACGGACTGCGGAGCAGATGGCA-3'
Protein context (NP_001120694.1, residues 2068-2088): REMGRDGYSD[Ser2078Thr]EHYLPMEGQG

ClinVar aggregate classification (germline): Uncertain significance (1 of 4 stars; one submission).

Conditions:
Episodic ataxia type 2 (EA2). Also called: ATAXIA, EPISODIC, WITH NYSTAGMUS; ATAXIA, FAMILIAL PAROXYSMAL; ACETAZOLAMIDE-RESPONSIVE HEREDITARY PAROXYSMAL CEREBELLAR ATAXIA; CEREBELLAR ATAXIA, PAROXYSMAL, ACETAZOLAMIDE-RESPONSIVE; CEREBELLOPATHY, HEREDITARY PAROXYSMAL; EPISODIC ATAXIA, NYSTAGMUS-ASSOCIATED. Identifiers: Orphanet 97, MedGen C1720416, MONDO:0007163, OMIM 108500.
Developmental and epileptic encephalopathy, 42 (DEE42A). Also called: Epileptic encephalopathy, early infantile, 42; DEVELOPMENTAL AND EPILEPTIC ENCEPHALOPATHY 42A; EPILEPTIC ENCEPHALOPATHY, EARLY INFANTILE, 42A. Identifiers: MedGen C4310716, MONDO:0014917, OMIM 617106.

Submission:

Labcorp Genetics (formerly Invitae), Labcorp
Classification: Uncertain significance for Developmental and epileptic encephalopathy, 42; Episodic ataxia type 2. Last evaluated: 2024-08-31. Review status: criteria provided, single submitter. Criteria: Invitae Variant Classification Sherloc (09022015). Collection method: clinical testing. Allele origin: germline.
Comment: This sequence change replaces serine, which is neutral and polar, with threonine, which is neutral and polar, at codon 2079 of the CACNA1A protein (p.Ser2079Thr). This variant is not present in population databases (gnomAD no frequency). This variant has not been reported in the literature in individuals affected with CACNA1A-related conditions. Invitae Evidence Modeling of protein sequence and biophysical properties (such as structural, functional, and spatial information, amino acid conservation, physicochemical variation, residue mobility, and thermodynamic stability) indicates that this missense variant is not expected to disrupt CACNA1A protein function with a negative predictive value of 95%. In summary, the available evidence is currently insufficient to determine the role of this variant in disease. Therefore, it has been classified as a Variant of Uncertain Significance.